The following is an entry in ClinVar:

NM_001943.5(DSG2):c.104A>C (p.Asn35Thr)

Gene: DSG2 (desmoglein 2; plus strand). Cytogenetic location: 18q12.1.
Variant type: single nucleotide variant.
Coding change: c.104A>C on transcript NM_001943.5 (MANE Select); coding-DNA position 104, A replaced by C.
Protein change: p.Asn35Thr; replaces asparagine 35 with threonine.
Molecular consequence: missense variant.
Genome position (GRCh38, 1-based): chr18:31,519,825, A>C. VCF-style: chr18-31519825-A-C. GRCh37 (hg19) VCF-style: chr18-29099788-A-C.
Other names: short protein forms N35T.
Identifiers: ClinVar variation 3386568 (VCV003386568.2).

ClinVar aggregate classification (germline): Uncertain significance. Review status: criteria provided, multiple submitters, no conflicts (2 of 4 stars). 2 submissions from 2 submitters: Uncertain significance (2). Last evaluated 2025-05-27.

Conditions:
Cardiovascular phenotype. Identifiers: MedGen CN230736.
Arrhythmogenic right ventricular cardiomyopathy (ARVD). Also called: Arrhythmogenic right ventricular dysplasia; Cardiomyopathy, ARVC; Arrhythmogenic cardiomyopathy; Arrhythmogenic Right Ventricular Cardiomyopathy (ARVC). Identifiers: Orphanet 247, MedGen C0349788, MeSH D019571, MONDO:0016587. Disease mechanism: loss of function. Inheritance: Various modes of inheritance.

Submissions (2):

Ambry Genetics
Classification: Uncertain significance for Cardiovascular phenotype. Last evaluated: 2025-05-27. Review status: criteria provided, single submitter. Criteria: Ambry Variant Classification Scheme 2023. Collection method: clinical testing. Allele origin: germline.
Comment: The p.N35T variant (also known as c.104A>C), located in coding exon 3 of the DSG2 gene, results from an A to C substitution at nucleotide position 104. The asparagine at codon 35 is replaced by threonine, an amino acid with similar properties. This amino acid position is conserved. In addition, this alteration is predicted to be tolerated by in silico analysis. Based on the available evidence, the clinical significance of this variant remains unclear.

All of Us Research Program, National Institutes of Health
Classification: Uncertain significance for Arrhythmogenic right ventricular cardiomyopathy. Last evaluated: 2024-08-23. Review status: criteria provided, single submitter. Criteria: ACMG Guidelines, 2015. Collection method: clinical testing. Allele origin: germline. Inheritance: Autosomal dominant inheritance. Observed: 1 variant allele, 1 heterozygote.
Comment: This missense variant replaces asparagine with threonine at codon 35 of the DSG2 protein. Computational prediction suggests that this variant may not impact protein structure and function. To our knowledge, functional studies have not been reported for this variant. This variant has not been reported in individuals affected with DSG2-related disorders in the literature. This variant has not been identified in the general population by the Genome Aggregation Database (gnomAD). The available evidence is insufficient to determine the role of this variant in disease conclusively. Therefore, this variant is classified as a Variant of Uncertain Significance.

This study involves interpretation of variants in research participants for the purpose of population health screening. Participant phenotype was not available at the time of variant classification. Additional details can be found in publication PMID: 35346344, PMCID: PMC8962531